The following is an entry in ClinVar:

NM_000498.3(CYP11B2):c.395+1_395+2del

Genes: CYP11B2 (cytochrome P450 family 11 subfamily B member 2; minus strand), LOC106799834 (CYP11B2 recombination region; plus strand). Cytogenetic location: 8q24.3.
Variant type: Deletion.
Coding change: c.395+1_395+2del on transcript NM_000498.3 (MANE Select); the canonical splice donor site of the intron after coding-DNA position 395, 2 bases deleted (GT; older notation c.395+1_395+2delGT).
Molecular consequence: splice donor variant.
Genome position (GRCh38, 1-based): chr8:142,917,057-142,917,058, AC deleted on the plus strand (GT on the coding strand, the reverse complement: CYP11B2 is on the minus strand); deleting any 2 consecutive bases within chr8:142,917,057-142,917,059 gives the same sequence; the c. name uses the placement nearest the transcript's 3' end. VCF-style (leftmost placement, unchanged base first): chr8-142917056-TAC-T. GRCh37 (hg19) VCF-style: chr8-143998472-TAC-T.
Identifiers: ClinVar variation 1065996 (VCV001065996.7), dbSNP rs2130334875, ClinGen allele CA2499219142.
Genomic context (GRCh38, chr8:142,917,056, plus strand): 5'-CTCCCCCCTACACCCAGGCTGCCCACCCTGCTCCCAGCTCTCAGCTCCCAACTCGCCGCT[TAC>T]AACAAGAACACGCCACATTTGTGCCCACGATGTTGTCTGTAGGCCACCCAGGGCTCCAGG-3'

ClinVar aggregate classification (germline): Likely pathogenic. Review status: criteria provided, multiple submitters, no conflicts (2 of 4 stars). 3 submissions from 3 submitters: Likely pathogenic (2). 1 of the submissions does not count toward it. Last evaluated 2022-04-09.

Conditions:
Corticosterone methyl oxidase type II deficiency.
CYP11B2-related disorders.

Submissions (3):

Labcorp Genetics (formerly Invitae), Labcorp
Classification: Likely pathogenic. Last evaluated: 2022-04-09. Review status: criteria provided, single submitter. Criteria: Invitae Variant Classification Sherloc (09022015). Collection method: clinical testing. Allele origin: germline.
Comment: This sequence change affects a splice site in intron 2 of the CYP11B2 gene. It is expected to disrupt RNA splicing. Variants that disrupt the donor or acceptor splice site typically lead to a loss of protein function (PMID: 16199547), and loss-of-function variants in CYP11B2 are known to be pathogenic (PMID: 20494601, 22801770, 26936515). This variant is not present in population databases (gnomAD no frequency). This variant has not been reported in the literature in individuals affected with CYP11B2-related conditions. ClinVar contains an entry for this variant (Variation ID: 1065996). Algorithms developed to predict the effect of sequence changes on RNA splicing suggest that this variant may disrupt the consensus splice site. In summary, the currently available evidence indicates that the variant is pathogenic, but additional data are needed to prove that conclusively. Therefore, this variant has been classified as Likely Pathogenic.

Blueprint Genetics
Classification: Likely pathogenic for CYP11B2-related disorders. Last evaluated: 2021-03-04. Review status: criteria provided, single submitter. Criteria: ACMG Guidelines, 2015. Collection method: clinical testing. Allele origin: germline. Affected: yes. Observed: 1 variant allele.

Natera, Inc.
Classification: Likely pathogenic for Corticosterone methyl oxidase type II deficiency. Last evaluated: 2021-04-28. Review status: no assertion criteria provided. Collection method: clinical testing. Allele origin: germline. Not counted in ClinVar's aggregate classification.

Literature cited by the submitters: PubMed 16199547 (cited by Labcorp Genetics (formerly Invitae), Labcorp); PubMed 20494601 (cited by Labcorp Genetics (formerly Invitae), Labcorp); PubMed 22801770 (cited by Labcorp Genetics (formerly Invitae), Labcorp); PubMed 26936515 (cited by Labcorp Genetics (formerly Invitae), Labcorp).